The following is an entry in ClinVar:

NM_130837.3(OPA1):c.1471A>G (p.Ile491Val)

Gene: OPA1 (OPA1 mitochondrial dynamin like GTPase; plus strand). Cytogenetic location: 3q29.
Variant type: single nucleotide variant.
Coding change: c.1471A>G on transcript NM_130837.3 (MANE Select); coding-DNA position 1471, A replaced by G.
Protein change: p.Ile491Val; replaces isoleucine 491 with valine.
Molecular consequence: missense variant.
Genome position (GRCh38, 1-based): chr3:193,643,621, A>G. VCF-style: chr3-193643621-A-G. GRCh37 (hg19) VCF-style: chr3-193361410-A-G.
Other names: c.937A>G, p.Ile313Val (NM_001354663.2); c.934A>G, p.Ile312Val (NM_001354664.2); c.1306A>G, p.Ile436Val (NM_015560.3); c.1198A>G, p.Ile400Val (NM_130831.3); c.1252A>G, p.Ile418Val (NM_130832.3); c.1309A>G, p.Ile437Val (NM_130833.3); c.1360A>G, p.Ile454Val (NM_130834.3); c.1363A>G, p.Ile455Val (NM_130835.3); and 1 more; short protein forms I437V, I454V, I455V, I491V, I418V, I312V, I436V, I473V.
Identifiers: ClinVar variation 1445665 (VCV001445665.6), dbSNP rs2109044723, ClinGen allele CA355789662.

ClinVar aggregate classification (germline): Uncertain significance (1 of 4 stars; one submission).

Allele frequency attached by ClinVar (database versions not stated): gnomAD exomes below 0.00001.
gnomAD v4.1: 1 of 1,610,348 alleles (0.000062%); highest among the groups gnomAD compares: Non-Finnish European, 0.000085%; no homozygotes.

Submission:

Labcorp Genetics (formerly Invitae), Labcorp
Classification: Uncertain significance. Last evaluated: 2021-10-10. Review status: criteria provided, single submitter. Criteria: Invitae Variant Classification Sherloc (09022015). Collection method: clinical testing. Allele origin: germline.
Comment: This variant is not present in population databases (ExAC no frequency). In summary, the available evidence is currently insufficient to determine the role of this variant in disease. Therefore, it has been classified as a Variant of Uncertain Significance. Advanced modeling of protein sequence and biophysical properties (such as structural, functional, and spatial information, amino acid conservation, physicochemical variation, residue mobility, and thermodynamic stability) performed at Invitae indicates that this missense variant is not expected to disrupt OPA1 protein function. This variant has not been reported in the literature in individuals affected with OPA1-related conditions. This sequence change replaces isoleucine with valine at codon 436 of the OPA1 protein (p.Ile436Val). The isoleucine residue is highly conserved and there is a small physicochemical difference between isoleucine and valine.